The following is an entry in ClinVar:

ClinVar aggregate classification (germline): Uncertain significance (1 of 4 stars; one submission).

Submission:

Labcorp Genetics (formerly Invitae), Labcorp
Classification: Uncertain significance. Last evaluated: 2023-05-15. Review status: criteria provided, single submitter. Criteria: Invitae Variant Classification Sherloc (09022015). Collection method: clinical testing. Allele origin: germline.
Comment: An algorithm developed to predict the effect of missense changes on protein structure and function (PolyPhen-2) suggests that this variant is likely to be disruptive. ClinVar contains an entry for this variant (Variation ID: 1011731). This variant has not been reported in the literature in individuals affected with ARHGEF18-related conditions. This variant is not present in population databases (gnomAD no frequency). This sequence change replaces glutamic acid, which is acidic and polar, with glycine, which is neutral and non-polar, at codon 645 of the ARHGEF18 protein (p.Glu645Gly). In summary, the available evidence is currently insufficient to determine the role of this variant in disease. Therefore, it has been classified as a Variant of Uncertain Significance.

NM_001367823.1(ARHGEF18):c.2498A>G (p.Glu833Gly)

Gene: ARHGEF18 (Rho/Rac guanine nucleotide exchange factor 18; plus strand). Cytogenetic location: 19p13.2.
Variant type: single nucleotide variant.
Coding change: c.2498A>G on transcript NM_001367823.1 (MANE Select); coding-DNA position 2498, A replaced by G.
Protein change: p.Glu833Gly; replaces glutamic acid 833 with glycine.
Molecular consequence: missense variant.
Genome position (GRCh38, 1-based): chr19:7,462,197, A>G. VCF-style: chr19-7462197-A-G. GRCh37 (hg19) VCF-style: chr19-7527083-A-G.
Other names: c.1772A>G, p.Glu591Gly (NM_001130955.2); c.1460A>G, p.Glu487Gly (NM_001367824.1, NM_015318.4); short protein forms E487G, E591G, E833G.
Identifiers: ClinVar variation 1011731 (VCV001011731.8), dbSNP rs1976310573, ClinGen allele CA403081011.
Genomic context (GRCh38, chr19:7,462,197, plus strand): 5'-ACCATCACTCTGCAGAGCGGTTGAGCATGAAAGACCAGCTGATCGCACAGAGCCTCCTAG[A>G]GAAACAGCAGATCTACCTGGAGATGGCCGAGATGGGCGGCCTCGAAGACCTGCCCCAGCC-3'
Protein context (NP_001354752.1, residues 823-843): KDQLIAQSLL[Glu833Gly]KQQIYLEMAE